The following is an entry in ClinVar:

ClinVar aggregate classification (germline): Uncertain significance (0 of 4 stars; one submission).

Conditions:
SMAD6-related disease. Also called: SMAD6-related condition; SMAD6-related disorder. Identifiers: MedGen CN381596, MONDO:0700324.

Submission:

PreventionGenetics, part of Exact Sciences
Classification: Uncertain significance for SMAD6-related condition. Last evaluated: 2024-08-08. Review status: no assertion criteria provided. Collection method: clinical testing. Allele origin: germline.
Comment: The SMAD6 c.418delG variant is predicted to result in a frameshift and premature protein termination (p.Asp140Thrfs*41). To our knowledge, this variant has not been reported in the literature or in a large population database, indicating this variant is rare. A cohort of 2,871 congenital heart disease (CHD) patients found eight inherited and one de novo loss-of-function (LOF) SMAD6 variants in patients with variable CHDs; however, only one of eight of the parents transmitting a LOF variant had a CHD (bicuspid aortic valve). Importantly, no LOF variants were found among the 7,156 parental control alleles (Jin et al. 2017. PubMed ID: 28991257). However, the SMAD6 gene is predicted to largely be tolerant of LOF variants as more LOF variants are observed than expected in the gnomAD database (Lek et al. 2016. PubMed ID: 27535533). Although we suspect that this variant may be pathogenic, at this time, the clinical significance of this variant is uncertain due to the absence of conclusive functional and genetic evidence.

NM_005585.5(SMAD6):c.418del (p.Asp140fs)

Gene: SMAD6 (SMAD family member 6; plus strand). Cytogenetic location: 15q22.31.
Variant type: Deletion.
Coding change: c.418del on transcript NM_005585.5 (MANE Select); coding-DNA position 418, one base deleted (G; older notation c.418delG).
Protein change: p.Asp140fs; shifts the reading frame from aspartic acid 140.
Molecular consequence: frameshift variant. On other transcripts: non-coding transcript variant (1).
Genome position (GRCh38, 1-based): chr15:66,703,676, G deleted; the last of 3 consecutive G bases (chr15:66,703,674-66,703,676); deleting any one gives the same sequence. VCF-style (leftmost placement, unchanged base first): chr15-66703673-CG-C. GRCh37 (hg19) VCF-style: chr15-66996011-CG-C.
Other names: short protein forms D140fs.
Identifiers: ClinVar variation 2637138 (VCV002637138.2), dbSNP rs2545311656, ClinGen allele CA2595126017.